The following is an entry in ClinVar:

ClinVar aggregate classification (germline): Pathogenic. Review status: reviewed by expert panel (3 of 4 stars). 2 submissions from 2 submitters: Pathogenic (1). 1 of the submissions does not count toward it. Last evaluated 2016-10-18.

Conditions:
Breast-ovarian cancer, familial, susceptibility to, 1 (BROVCA1). Also called: BRCA1 Hereditary Breast and Ovarian Cancer; OVARIAN CANCER, SUSCEPTIBILITY TO. Identifiers: Orphanet 145, MedGen C2676676, MONDO:0011450, OMIM 604370. Disease mechanism: loss of function.

Submissions (2):

Evidence-based Network for the Interpretation of Germline Mutant Alleles (ENIGMA)
Classification: Pathogenic for Breast-ovarian cancer, familial, susceptibility to, 1. Last evaluated: 2016-10-18. Review status: reviewed by expert panel. Criteria: ENIGMA BRCA1/2 Classification Criteria (2015). Collection method: curation. Allele origin: germline.
Comment: Variant allele predicted to encode a truncated non-functional protein.

Consortium of Investigators of Modifiers of BRCA1/2 (CIMBA), c/o University of Cambridge
Classification: Pathogenic for Breast-ovarian cancer, familial, susceptibility to, 1. Last evaluated: 2015-10-02. Review status: criteria provided, single submitter. Criteria: CIMBA Mutation Classification guidelines May 2016. Collection method: clinical testing. Allele origin: germline. Not counted in ClinVar's aggregate classification.

NM_007294.4(BRCA1):c.330_331insA (p.Glu111fs)

Gene: BRCA1 (BRCA1 DNA repair associated; minus strand). Cytogenetic location: 17q21.31.
Variant type: Insertion.
Coding change: c.330_331insA on transcript NM_007294.4 (MANE Select); coding-DNA positions 330 to 331, A inserted.
Protein change: p.Glu111fs; shifts the reading frame from glutamic acid 111.
Molecular consequence: frameshift variant. On other transcripts: non-coding transcript variant (1).
Genome position: GRCh38 VCF-style: chr17-43104232-C-CT. GRCh37 (hg19) VCF-style: chr17-41256249-C-CT.
Other names: 449insA; c.120_121insA, p.Glu41Argfs (NM_001407571.1, NM_001408513.1, NM_001408514.1 and 58 more transcripts); c.330_331insA, p.Glu111Argfs (NM_001407581.1, NM_001407582.1, NM_001407583.1 and 163 more transcripts); c.189_190insA, p.Glu64fs (NM_007297.4); c.330_331insA, p.Glu111fs (NM_007299.4, NM_007300.4); c.321_322insA, p.Glu108Argfs (NM_001407646.1, NM_001407647.1, NM_001408408.1); c.252_253insA, p.Glu85Argfs (NM_001407653.1, NM_001407654.1, NM_001407655.1 and 21 more transcripts); c.189_190insA, p.Glu64Argfs (NM_001407692.1, NM_001407694.1, NM_001407695.1 and 98 more transcripts); and 2 more; short protein forms E64fs, E111fs.
Identifiers: ClinVar variation 266352 (VCV000266352.6), dbSNP rs886040112, ClinGen allele CA10590022.